The following is an entry in ClinVar:

NM_000051.4(ATM):c.791A>C (p.Tyr264Ser)

Gene: ATM (ATM serine/threonine kinase; plus strand). Cytogenetic location: 11q22.3.
Variant type: single nucleotide variant.
Coding change: c.791A>C on transcript NM_000051.4 (MANE Select); coding-DNA position 791, A replaced by C.
Protein change: p.Tyr264Ser; replaces tyrosine 264 with serine.
Molecular consequence: missense variant.
Genome position (GRCh38, 1-based): chr11:108,244,916, A>C. VCF-style: chr11-108244916-A-C. GRCh37 (hg19) VCF-style: chr11-108115643-A-C.
Other names: c.791A>C, p.Tyr264Ser (NM_001351834.2); short protein forms Y264S.
Identifiers: ClinVar variation 3802384 (VCV003802384.5).

ClinVar aggregate classification (germline): Uncertain significance. Review status: criteria provided, multiple submitters, no conflicts (2 of 4 stars). 3 submissions from 3 submitters: Uncertain significance (3). Last evaluated 2025-09-01.

Conditions:
Hereditary cancer-predisposing syndrome. Also called: Hereditary Cancer Syndrome; Hereditary neoplastic syndrome; Neoplastic Syndromes, Hereditary; Tumor predisposition. Identifiers: Orphanet 140162, MedGen C0027672, MeSH D009386, MONDO:0015356.
ATM-related cancer predisposition. Also called: ATM-related cancer susceptibility. Identifiers: MedGen CN377759, MONDO:0700270.
Ataxia-telangiectasia syndrome (AT). Also called: LOUIS-BAR SYNDROME; Cerebello-oculocutaneous telangiectasia; Immunodeficiency with ataxia telangiectasia; Ataxia-telangiectasia, complementation group E; Ataxia-telangiectasia, complementation group D; AT, COMPLEMENTATION GROUP C. Identifiers: Orphanet 100, MedGen C0004135, MONDO:0008840, OMIM 208900.

gnomAD v4.1: 1 of 1,613,620 alleles (0.000062%); highest among the groups gnomAD compares: Non-Finnish European, 0.000085%; no homozygotes.

Submissions (3):

Labcorp Genetics (formerly Invitae), Labcorp
Classification: Uncertain significance for Ataxia-telangiectasia syndrome. Last evaluated: 2025-09-01. Review status: criteria provided, single submitter. Criteria: Invitae Variant Classification Sherloc (09022015). Collection method: clinical testing. Allele origin: germline.
Comment: This sequence change replaces tyrosine, which is neutral and polar, with serine, which is neutral and polar, at codon 264 of the ATM protein (p.Tyr264Ser). This variant is not present in population databases (gnomAD no frequency). This variant has not been reported in the literature in individuals affected with ATM-related conditions. ClinVar contains an entry for this variant (Variation ID: 3802384). Invitae Evidence Modeling of protein sequence and biophysical properties (such as structural, functional, and spatial information, amino acid conservation, physicochemical variation, residue mobility, and thermodynamic stability) indicates that this missense variant is not expected to disrupt ATM protein function with a negative predictive value of 95%. In summary, the available evidence is currently insufficient to determine the role of this variant in disease. Therefore, it has been classified as a Variant of Uncertain Significance.

Dasa
Classification: Uncertain significance for ATM-related cancer predisposition. Last evaluated: 2025-06-18. Review status: criteria provided, single submitter. Criteria: DASA Assertion Criteria. Collection method: clinical testing. Allele origin: germline.
Comment: NM_000051.4(ATM):c.791A>C (p.Tyr264Ser) is a missense variant that results in the substitution of tyrosine with serine. This variant is rare in population databases. The currently available literature and clinical evidence are not sufficient to establish a definitive association between this variant and the reported condition. Therefore, this variant is classified as a variant of uncertain significance.

Ambry Genetics
Classification: Uncertain significance for Hereditary cancer-predisposing syndrome. Last evaluated: 2025-03-24. Review status: criteria provided, single submitter. Criteria: Ambry Variant Classification Scheme 2023. Collection method: clinical testing. Allele origin: germline.